The following is an entry in ClinVar:

NM_003560.4(PLA2G6):c.962T>C (p.Leu321Pro)

Gene: PLA2G6 (phospholipase A2 group VI; minus strand). Cytogenetic location: 22q13.1.
Variant type: single nucleotide variant.
Coding change: c.962T>C on transcript NM_003560.4 (MANE Select); coding-DNA position 962, T replaced by C.
Protein change: p.Leu321Pro; replaces leucine 321 with proline.
Molecular consequence: missense variant.
Genome position (GRCh38, 1-based): chr22:38,132,946, A>G on the plus strand (T>C on the coding strand, the complement: PLA2G6 is on the minus strand). VCF-style: chr22-38132946-A-G. GRCh37 (hg19) VCF-style: chr22-38528953-A-G.
Other names: c.962T>C, p.Leu321Pro (NM_001004426.3, NM_001199562.3, NM_001349864.2 and 2 more transcripts); c.428T>C, p.Leu143Pro (NM_001349867.2, NM_001349869.2); c.284T>C, p.Leu95Pro (NM_001349868.2); c.962T>C (NM_003560.2); short protein forms L321P, L143P, L95P.
Identifiers: ClinVar variation 634473 (VCV000634473.4), dbSNP rs1569264087, ClinGen allele CA411530840.
Genomic context (GRCh38, chr22:38,132,946, plus strand): 5'-GCCCCGTGGGTCAGCAGCACTATGGCACAGTCGAAGCGGTTGCGCATCACCGCCACGTGC[A>G]GGGCCGTGTTCCCCGCGGAGCTGGTGCTGTTCACGTTGCAGCCCCGTTTCAGCAGCATGC-3'
Protein context (NP_003551.2, residues 311-331): NSTSSAGNTA[Leu321Pro]HVAVMRNRFD

ClinVar aggregate classification (germline): Conflicting classifications of pathogenicity. Review status: criteria provided, conflicting classifications (1 of 4 stars). 2 submissions from 2 submitters: Likely pathogenic (1); Uncertain significance (1). Last evaluated 2025-03-25.

Conditions:
Infantile neuroaxonal dystrophy (NBIA2A). Also called: SEITELBERGER DISEASE; NEURODEGENERATION WITH BRAIN IRON ACCUMULATION 2A; Infantile neuroaxonal dystrophy 1. Identifiers: Orphanet 35069, MedGen C0270724, MONDO:0024457, OMIM 256600.

Submissions (2):

GeneDx
Classification: Uncertain significance. Last evaluated: 2025-03-25. Review status: criteria provided, single submitter. Criteria: GeneDx Variant Classification Process June 2021. Collection method: clinical testing. Allele origin: germline. Affected: yes.
Comment: Not observed at significant frequency in large population cohorts (gnomAD); In silico analysis supports that this missense variant has a deleterious effect on protein structure/function; Reported with a second PLA2G6 variant in an individual with infantile neuroaxonal dystrophy, however further information about the phase of these variants and the indivdiual's clinical features were not provided (PMID: 37403138); This variant is associated with the following publications: (PMID: 37403138)

Genomic Research Center, Shahid Beheshti University of Medical Sciences
Classification: Likely pathogenic for Infantile neuroaxonal dystrophy. Last evaluated: 2019-01-01. Review status: criteria provided, single submitter. Criteria: ACMG Guidelines, 2015. Collection method: clinical testing. Allele origin: inherited. Affected: yes. Observed: 1 variant allele.